The following is an entry in ClinVar:

ClinVar aggregate classification (germline): Uncertain significance (1 of 4 stars; one submission).

Conditions:
TIMM8A-related condition.

Submission:

PreventionGenetics, part of Exact Sciences
Classification: Uncertain significance for TIMM8A-related condition. Last evaluated: 2026-05-29. Review status: criteria provided, single submitter. Criteria: ACMG Guidelines, 2015. Collection method: clinical testing. Allele origin: germline.
Comment: The TIMM8A c.115A>C variant is predicted to result in the amino acid substitution p.Met39Leu. To our knowledge, this variant has not been reported in the literature or in a large population database (gnomAD), indicating this variant is rare. At this time, the clinical significance of this variant is uncertain due to the absence of conclusive functional and genetic evidence.

NM_004085.4(TIMM8A):c.115A>C (p.Met39Leu)

Gene: TIMM8A (translocase of inner mitochondrial membrane 8A; minus strand). Cytogenetic location: Xq22.1.
Variant type: single nucleotide variant.
Coding change: c.115A>C on transcript NM_004085.4 (MANE Select); coding-DNA position 115, A replaced by C.
Protein change: p.Met39Leu; replaces methionine 39 with leucine.
Molecular consequence: missense variant.
Genome position (GRCh38, 1-based): chrX:101,348,550, T>G on the plus strand (A>C on the coding strand, the complement: TIMM8A is on the minus strand). VCF-style: chrX-101348550-T-G. GRCh37 (hg19) VCF-style: chrX-100603538-T-G.
Other names: c.115A>C, p.Met39Leu (NM_001145951.2); short protein forms M39L.
Identifiers: ClinVar variation 4995449 (VCV004995449.1).
Genomic context (GRCh38, chrX:101,348,550, plus strand): 5'-GAAAGTAGGTACAGTGTTCAGGTCCCAGCCCCAGGCTCCTCACCCAACAAAGTTCAGTCA[T>G]CTGGTGCACCAGCTGCTGGAAGCGCTGCTTTTGAGTCTCTACCTCGATGAAATGCTGCAA-3'
Protein context (NP_004076.1, residues 29-49): KQRFQQLVHQ[Met39Leu]TELCWEKCMD